The following is an entry in ClinVar:

ClinVar aggregate classification (germline): Pathogenic (1 of 4 stars; one submission).

Conditions:
Malan overgrowth syndrome (MALNS). Also called: Sotos syndrome 2; MALAN SYNDROME; NFIX-Related Malan Syndrome. Identifiers: Orphanet 420179, MedGen C3553660, MONDO:0013885, OMIM 614753.

Submission:

Genetics and Molecular Pathology, SA Pathology
Classification: Pathogenic for Malan overgrowth syndrome. Last evaluated: 2020-11-09. Review status: criteria provided, single submitter. Criteria: ACMG Guidelines, 2015. Collection method: clinical testing. Allele origin: germline. Inheritance: Autosomal dominant inheritance. Affected: yes.
Comment: The NFIX c.789_790del frameshift variant is classified as PATHOGENIC (PM2, PS2, PVS1) This NFIX c.789_790del variant is located in exon 5 and is predicted to cause a shift in the reading frame at codon Ile264 (PVS1). This variant has not been reported in dbSNP and is absent from population databases (PM2). This variant has not been reported in the ClinVar or HGMD disease databases.

NM_001365902.3(NFIX):c.765_766del (p.Ile256fs)

Gene: NFIX (nuclear factor I X; plus strand). Cytogenetic location: 19p13.13.
Variant type: Deletion.
Coding change: c.765_766del on transcript NM_001365902.3 (MANE Select); coding-DNA positions 765 to 766, 2 bases deleted (CA; older notation c.765_766delCA).
Protein change: p.Ile256fs; shifts the reading frame from isoleucine 256.
Molecular consequence: frameshift variant.
Genome position (GRCh38, 1-based): chr19:13,073,973-13,073,974, CA deleted; deleting any 2 consecutive bases within chr19:13,073,972-13,073,974 gives the same sequence; the c. name uses the placement nearest the transcript's 3' end. VCF-style (leftmost placement, unchanged base first): chr19-13073971-AAC-A. GRCh37 (hg19) VCF-style: chr19-13184785-AAC-A.
Other names: c.789_790delCA (NM_001271043.2); c.789_790del, p.Ile264fs (NM_001271043.2); c.741_742del, p.Ile248fs (NM_001271044.3, NM_001378404.1); c.765_766del, p.Ile256fs (NM_001365982.2, NM_002501.4); c.624_625del, p.Ile209fs (NM_001365983.2); c.762_763del, p.Ile255fs (NM_001365984.2, NM_001365985.2); c.813_814del, p.Ile272fs (NM_001378405.1); short protein forms I209fs, I248fs, I255fs, I256fs, I264fs, I272fs.
Identifiers: ClinVar variation 1698906 (VCV001698906.2), dbSNP rs2145434937, ClinGen allele CA1139532869.
Genomic context (GRCh38, chr19:13,073,971, plus strand): 5'-GTTGCAACAGCATCAGGGCCCAACTTCTCCCTGGCGGACCTGGAGAGTCCCAGCTACTAC[AAC>A]ATCAACCAGGTGACCCTGGGGCGGCGGTCCATCACCTCCCCTCCTTCCACCAGGTAAGCC-3'